The following is an entry in ClinVar:

ClinVar aggregate classification (germline): Uncertain significance (1 of 4 stars; one submission).

Submission:

GeneDx
Classification: Uncertain significance. Last evaluated: 2017-06-01. Review status: criteria provided, single submitter. Criteria: GeneDx Variant Classification (06012015). Collection method: clinical testing. Allele origin: germline. Affected: yes.
Comment: The T378I variant has not been published as a pathogenic variant, nor has it been reported as a benign variant to our knowledge. The T378I variant is not observed in large population cohorts (Lek et al., 2016; 1000 Genomes Consortium et al., 2015; Exome Variant Server). This variant is a non-conservative amino acid substitution, which is likely to impact secondary protein structure as these residues differ in polarity, charge, size and/or other properties. Additionally, the majority of missense variants in this gene are considered pathogenic (Stenson et al., 2014). However, this substitution occurs at a position that is not conserved, and in silico analysis is inconsistent in its predictions as to whether or not the variant is damaging to the protein structure/function.

NM_000334.4(SCN4A):c.1133C>T (p.Thr378Ile)

Gene: SCN4A (sodium voltage-gated channel alpha subunit 4; minus strand). Cytogenetic location: 17q23.3.
Variant type: single nucleotide variant.
Coding change: c.1133C>T on transcript NM_000334.4 (MANE Select); coding-DNA position 1133, C replaced by T.
Protein change: p.Thr378Ile; replaces threonine 378 with isoleucine.
Molecular consequence: missense variant.
Genome position (GRCh38, 1-based): chr17:63,966,211, G>A on the plus strand (C>T on the coding strand, the complement: SCN4A is on the minus strand). VCF-style: chr17-63966211-G-A. GRCh37 (hg19) VCF-style: chr17-62043571-G-A.
Other names: short protein forms T378I.
Identifiers: ClinVar variation 432445 (VCV000432445.2), dbSNP rs1555604367, ClinGen allele CA400636387.